The following is an entry in ClinVar:

NM_000075.4(CDK4):c.898G>A (p.Gly300Ser)

Genes: CDK4 (cyclin dependent kinase 4; minus strand), TSPAN31 (tetraspanin 31; plus strand). Cytogenetic location: 12q14.1.
Variant type: single nucleotide variant.
Coding change: c.898G>A on transcript NM_000075.4 (MANE Select); coding-DNA position 898, G replaced by A.
Protein change: p.Gly300Ser; replaces glycine 300 with serine.
Molecular consequence: missense variant. On other transcripts: 3 prime UTR variant (3).
Genome position (GRCh38, 1-based): chr12:57,748,539, C>T on the plus strand (G>A on the coding strand, the complement: CDK4 is on the minus strand). VCF-style: chr12-57748539-C-T. GRCh37 (hg19) VCF-style: chr12-58142322-C-T.
Other names: c.*1249C>T (NM_001330168.2, NM_001330169.2, NM_005981.5); short protein forms G300S.
Identifiers: ClinVar variation 246400 (VCV000246400.27), dbSNP rs879254241, ClinGen allele CA10584436.
Genomic context (GRCh38, chr12:57,748,539, plus strand): 5'-AGGGAAATGGCAGCTTTTCTTCCTTCCATGGCAGCCACTCCATTGCTCACTCCGGATTAC[C>T]TTCATCCTTATGTAGATAAGAGTGCTGCAGAGCTCGAAAGGCAGAGATTCGCTTGTGTGG-3'
Protein context (NP_000066.1, residues 290-303): LQHSYLHKDE[Gly300Ser]NPE

ClinVar aggregate classification (germline): Conflicting classifications of pathogenicity. Review status: criteria provided, conflicting classifications (1 of 4 stars). 8 submissions from 8 submitters: Uncertain significance (6); Likely benign (2). Last evaluated 2026-03-25.

Conditions:
CDK4-related disorder. Also called: CDK4-related condition.
Familial melanoma. Also called: Hereditary cutaneous melanoma; Hereditary melanoma. Identifiers: Orphanet 618, MedGen C1512419, MONDO:0018961.
Hereditary cancer-predisposing syndrome. Also called: Neoplastic Syndromes, Hereditary; Hereditary neoplastic syndrome; Hereditary Cancer Syndrome; Tumor predisposition. Identifiers: Orphanet 140162, MedGen C0027672, MeSH D009386, MONDO:0015356.
Melanoma, cutaneous malignant, susceptibility to, 3. Also called: Cutaneous malignant melanoma 3. Identifiers: Orphanet 618, MedGen C1836892, MONDO:0012183, OMIM 609048.

Allele frequency attached by ClinVar (database versions not stated): gnomAD exomes 0.00001 and 0.00010; TOPMed 0.00002; gnomAD 0.00004.
gnomAD v4.1: 140 of 1,612,656 alleles (0.0087%); highest among the groups gnomAD compares: Non-Finnish European, 0.012%; no homozygotes.

Submissions (8):

PreventionGenetics, part of Exact Sciences
Classification: Uncertain significance for CDK4-related condition. Last evaluated: 2026-03-25. Review status: criteria provided, single submitter. Criteria: ACMG Guidelines, 2015. Collection method: clinical testing. Allele origin: germline.
Comment: The CDK4 c.898G>A variant is predicted to result in the amino acid substitution p.Gly300Ser. To our knowledge, this variant has not been reported in the literature. This variant is reported in 0.0031% of alleles in individuals of European (Non-Finnish) descent in gnomAD and has been interpretations of uncertain and likely benign in ClinVar (Variation ID: 246400). At this time, the clinical significance of this variant is uncertain due to the absence of conclusive functional and genetic evidence.

Labcorp Genetics (formerly Invitae), Labcorp
Classification: Uncertain significance for Familial melanoma. Last evaluated: 2026-01-13. Review status: criteria provided, single submitter. Criteria: Invitae Variant Classification Sherloc (09022015). Collection method: clinical testing. Allele origin: germline.
Comment: This sequence change replaces glycine, which is neutral and non-polar, with serine, which is neutral and polar, at codon 300 of the CDK4 protein (p.Gly300Ser). This variant is present in population databases (no rsID available, gnomAD 0.003%). This variant has not been reported in the literature in individuals affected with CDK4-related conditions. ClinVar contains an entry for this variant (Variation ID: 246400). Invitae Evidence Modeling of protein sequence and biophysical properties (such as structural, functional, and spatial information, amino acid conservation, physicochemical variation, residue mobility, and thermodynamic stability) indicates that this missense variant is not expected to disrupt CDK4 protein function with a negative predictive value of 95%. In summary, the available evidence is currently insufficient to determine the role of this variant in disease. Therefore, it has been classified as a Variant of Uncertain Significance.

Women's Health and Genetics/Laboratory Corporation of America, LabCorp
Classification: Likely benign. Last evaluated: 2025-07-11. Review status: criteria provided, single submitter. Criteria: LabCorp Variant Classification Summary - May 2015. Collection method: clinical testing. Allele origin: germline.
Comment: Variant summary: CDK4 c.898G>A (p.Gly300Ser) results in a non-conservative amino acid change located in the Protein Kinase domain of the encoded protein sequence. Algorithms developed to predict the effect of missense changes on protein structure and function are either unavailable or do not agree on the potential impact of this missense change. The variant allele was found at a frequency of 8.7e-05 in 1612656 control chromosomes, predominantly at a frequency of 0.00012 within the Non-Finnish European subpopulation in the gnomAD database. The observed variant frequency within Non-Finnish European control individuals in the gnomAD database is approximately 6 fold of the estimated maximal expected allele frequency for a pathogenic variant in CDK4 causing Cutaneous Malignant Melanoma phenotype (2e-05). To our knowledge, no occurrence of c.898G>A in individuals affected with Cutaneous Malignant Melanoma and no experimental evidence demonstrating its impact on protein function have been reported. ClinVar contains an entry for this variant (Variation ID: 246400). Based on the evidence outlined above, the variant was classified as likely benign.

St. Jude Molecular Pathology, St. Jude Children's Research Hospital
Classification: Uncertain significance for Melanoma, cutaneous malignant, susceptibility to, 3. Last evaluated: 2024-11-29. Review status: criteria provided, single submitter. Criteria: St. Jude Assertion Criteria 2020. Collection method: clinical testing. Allele origin: germline.
Comment: The CDK4 c.898G>A (p.Gly300Ser) missense change has a maximum subpopulation frequency of 0.003% in gnomAD v2.1.1. The in silico tool REVEL predicts a benign effect on protein function, but to our knowledge this prediction has not been confirmed by functional studies. To our knowledge, this variant has not been reported in individuals with familial melanoma. In summary, the evidence currently available is insufficient to determine the clinical significance of this variant. It has therefore been classified as of uncertain significance.

Ambry Genetics
Classification: Likely benign for Hereditary cancer-predisposing syndrome. Last evaluated: 2024-05-03. Review status: criteria provided, single submitter. Criteria: Ambry Variant Classification Scheme 2023. Collection method: clinical testing. Allele origin: germline.

Fulgent Genetics
Classification: Uncertain significance for Melanoma, cutaneous malignant, susceptibility to, 3. Last evaluated: 2024-02-16. Review status: criteria provided, single submitter. Criteria: ACMG Guidelines, 2015. Collection method: clinical testing. Allele origin: germline.

GeneDx
Classification: Uncertain significance. Last evaluated: 2022-03-07. Review status: criteria provided, single submitter. Criteria: GeneDx Variant Classification Process June 2021. Collection method: clinical testing. Allele origin: germline. Affected: yes.
Comment: Not observed at a significant frequency in large population cohorts (gnomAD); In silico analysis supports that this missense variant does not alter protein structure/function; Observed in an individual with advanced cancer, primary site not specified, undergoing a multi-gene panel test (Mandelker 2017); This variant is associated with the following publications: (PMID: 29641532, 28873162)

Illumina Laboratory Services, Illumina
Classification: Uncertain significance for Melanoma, cutaneous malignant, susceptibility to, 3. Last evaluated: 2018-01-13. Review status: criteria provided, single submitter. Criteria: ICSL Variant Classification Criteria 13 December 2019. Collection method: clinical testing. Allele origin: germline.